The following is an entry in ClinVar:

NM_006618.5(KDM5B):c.1778G>T (p.Gly593Val)

Gene: KDM5B (lysine demethylase 5B; minus strand). Cytogenetic location: 1q32.1.
Variant type: single nucleotide variant.
Coding change: c.1778G>T on transcript NM_006618.5 (MANE Select); coding-DNA position 1778, G replaced by T.
Protein change: p.Gly593Val; replaces glycine 593 with valine.
Molecular consequence: missense variant.
Genome position (GRCh38, 1-based): chr1:202,750,702, C>A on the plus strand (G>T on the coding strand, the complement: KDM5B is on the minus strand). VCF-style: chr1-202750702-C-A. GRCh37 (hg19) VCF-style: chr1-202719830-C-A.
Other names: c.1886G>T, p.Gly629Val (NM_001314042.2); c.1643G>T, p.Gly548Val (NM_001347591.2); c.1763G>T, p.Gly588Val (NM_001399817.1); short protein forms G548V, G588V, G593V, G629V.
Identifiers: ClinVar variation 2639801 (VCV002639801.24), dbSNP rs2527510203, ClinGen allele CA344267810.

ClinVar aggregate classification (germline): Uncertain significance (1 of 4 stars; one submission).

Allele frequency attached by ClinVar (database versions not stated): gnomAD exomes below 0.00001.
gnomAD v4.1: 4 of 1,613,986 alleles (0.00025%); highest among the groups gnomAD compares: Non-Finnish European, 0.00025%; no homozygotes.

Submission:

CeGaT Center for Human Genetics Tuebingen
Classification: Uncertain significance. Last evaluated: 2023-08-01. Review status: criteria provided, single submitter. Criteria: CeGaT Center For Human Genetics Tuebingen Variant Classification Criteria Version 2. Collection method: clinical testing. Allele origin: germline. Affected: yes. Observed: 1 variant allele.
Comment: KDM5B: PM2, PP3, PS2:Supporting